The following is an entry in ClinVar:

NM_004859.4(CLTC):c.1A>G (p.Met1Val)

Gene: CLTC (clathrin heavy chain; plus strand). Cytogenetic location: 17q23.1.
Variant type: single nucleotide variant.
Coding change: c.1A>G on transcript NM_004859.4 (MANE Select); coding-DNA position 1, A replaced by G.
Protein change: p.Met1Val; changes the start codon (methionine 1).
Molecular consequence: missense variant, initiator codon variant.
Genome position (GRCh38, 1-based): chr17:59,620,132, A>G. VCF-style: chr17-59620132-A-G. GRCh37 (hg19) VCF-style: chr17-57697493-A-G.
Other names: c.1A>G, p.Met1Val (NM_001288653.2); short protein forms M1V.
Identifiers: ClinVar variation 4808670 (VCV004808670.1).

ClinVar aggregate classification (germline): Uncertain significance (1 of 4 stars; one submission).

Submission:

Labcorp Genetics (formerly Invitae), Labcorp
Classification: Uncertain significance. Last evaluated: 2025-07-13. Review status: criteria provided, single submitter. Criteria: Invitae Variant Classification Sherloc (09022015). Collection method: clinical testing. Allele origin: germline.
Comment: This sequence change affects the initiator codon of the CLTC mRNA. This change may impact translation initiation or efficiency. The next in-frame methionine is located at codon 32. This variant is not present in population databases (gnomAD no frequency). This variant has not been reported in the literature in individuals affected with CLTC-related conditions. Experimental studies and prediction algorithms are not available or were not evaluated, and the functional significance of this variant is currently unknown. In summary, the available evidence is currently insufficient to determine the role of this variant in disease. Therefore, it has been classified as a Variant of Uncertain Significance.